The following is an entry in ClinVar:

NM_001182.5(ALDH7A1):c.913+6G>T

Gene: ALDH7A1 (aldehyde dehydrogenase 7 family member A1; minus strand). Cytogenetic location: 5q23.2.
Variant type: single nucleotide variant.
Coding change: c.913+6G>T on transcript NM_001182.5 (MANE Select); 6 bases into the intron after coding-DNA position 913, G replaced by T.
Molecular consequence: intron variant.
Genome position (GRCh38, 1-based): chr5:126,561,077, C>A on the plus strand (G>T on the coding strand, the complement: ALDH7A1 is on the minus strand). VCF-style: chr5-126561077-C-A. GRCh37 (hg19) VCF-style: chr5-125896769-C-A.
Other names: c.913+6G>T (NM_001202404.2); c.829+6G>T (NM_001201377.2).
Identifiers: ClinVar variation 2169727 (VCV002169727.1), dbSNP rs776351988, ClinGen allele CA2578392492.

ClinVar aggregate classification (germline): Uncertain significance (1 of 4 stars; one submission).

Conditions:
Pyridoxine-dependent epilepsy (EPEO4). Also called: Pyridoxine-Dependent Seizures; Pyridoxine-Dependent Epilepsy - ALDH7A1; PYRIDOXINE DEPENDENCY WITH SEIZURES; EPILEPSY, EARLY-ONSET, 4, VITAMIN B6-DEPENDENT. Identifiers: Orphanet 3006, MedGen C1849508, MONDO:0009945, OMIM 266100. Disease mechanism: loss of function.

Submission:

Labcorp Genetics (formerly Invitae), Labcorp
Classification: Uncertain significance for Pyridoxine-dependent epilepsy. Last evaluated: 2022-08-20. Review status: criteria provided, single submitter. Criteria: Invitae Variant Classification Sherloc (09022015). Collection method: clinical testing. Allele origin: germline.
Comment: This sequence change falls in intron 10 of the ALDH7A1 gene. It does not directly change the encoded amino acid sequence of the ALDH7A1 protein. It affects a nucleotide within the consensus splice site. This variant is not present in population databases (gnomAD no frequency). This variant has not been reported in the literature in individuals affected with ALDH7A1-related conditions. Variants that disrupt the consensus splice site are a relatively common cause of aberrant splicing (PMID: 17576681, 9536098). Algorithms developed to predict the effect of sequence changes on RNA splicing suggest that this variant is not likely to affect RNA splicing. In summary, the available evidence is currently insufficient to determine the role of this variant in disease. Therefore, it has been classified as a Variant of Uncertain Significance.

Literature cited by the submitters: PubMed 17576681; PubMed 9536098.